The following is an entry in ClinVar:

NM_018993.4(RIN2):c.2517C>T (p.Phe839=)

Gene: RIN2 (Ras and Rab interactor 2; plus strand). Cytogenetic location: 20p11.23.
Variant type: single nucleotide variant.
Coding change: c.2517C>T on transcript NM_018993.4 (MANE Select); coding-DNA position 2517, C replaced by T.
Protein change: p.Phe839=; no amino-acid change (phenylalanine 839 retained).
Molecular consequence: synonymous variant.
Genome position (GRCh38, 1-based): chr20:20,000,765, C>T. VCF-style: chr20-20000765-C-T. GRCh37 (hg19) VCF-style: chr20-19981409-C-T.
Other names: c.2664C>T, p.Phe888= (NM_001242581.2); c.1899C>T, p.Phe633= (NM_001378238.1).
Identifiers: ClinVar variation 2185140 (VCV002185140.5), dbSNP rs764917902, ClinGen allele CA9780317.

ClinVar aggregate classification (germline): Likely benign. Review status: criteria provided, multiple submitters, no conflicts (2 of 4 stars). 2 submissions from 2 submitters: Likely benign (2). Last evaluated 2026-08-01.

Allele frequency attached by ClinVar (database versions not stated): ExAC 0.00001; TOPMed 0.00001; gnomAD exomes 0.00002.
gnomAD v4.1: 25 of 1,613,946 alleles (0.0015%); highest among the groups gnomAD compares: Non-Finnish European, 0.0021%; no homozygotes.

Submissions (2):

CeGaT Center for Human Genetics Tuebingen
Classification: Likely benign. Last evaluated: 2026-08-01. Review status: criteria provided, single submitter. Criteria: CeGaT Center For Human Genetics Tuebingen Variant Classification Criteria Version 2. Collection method: clinical testing. Allele origin: germline. Affected: yes. Observed: 1 variant allele.
Comment: RIN2: BP4, BP7

Labcorp Genetics (formerly Invitae), Labcorp
Classification: Likely benign. Last evaluated: 2025-07-13. Review status: criteria provided, single submitter. Criteria: Invitae Variant Classification Sherloc (09022015). Collection method: clinical testing. Allele origin: germline.